The following is an entry in ClinVar:

ClinVar aggregate classification (germline): Benign/Likely benign. Review status: criteria provided, multiple submitters, no conflicts (2 of 4 stars). 3 submissions from 3 submitters: Benign (2); Likely benign (1). Last evaluated 2026-06-15.

Conditions:
SORL1-related disorder. Also called: SORL1-related condition.

Allele frequency attached by ClinVar (database versions not stated): ESP Exome Variant Server 0.00069; gnomAD 0.00081 and 0.00082; TOPMed 0.00102; gnomAD exomes 0.00111 and 0.00124; 1000 Genomes Project 0.00120; ExAC 0.00120; 1000 Genomes Project 30x 0.00141.
gnomAD v4.1: 1,729 of 1,614,058 alleles (0.11%); highest among the groups gnomAD compares: East Asian, 0.5%; 3 homozygotes.

Submissions (3):

PreventionGenetics, part of Exact Sciences
Classification: Likely benign for SORL1-related condition. Last evaluated: 2026-06-15. Review status: criteria provided, single submitter. Criteria: ACMG Guidelines, 2015. Collection method: clinical testing. Allele origin: germline.
Comment: This variant is classified as likely benign based on ACMG/AMP sequence variant interpretation guidelines (Richards et al. 2015 PMID: 25741868, with internal and published modifications).

Labcorp Genetics (formerly Invitae), Labcorp
Classification: Benign. Last evaluated: 2025-08-11. Review status: criteria provided, single submitter. Criteria: Invitae Variant Classification Sherloc (09022015). Collection method: clinical testing. Allele origin: germline.

Breakthrough Genomics
Classification: Benign. Review status: criteria provided, single submitter. Criteria: ACMG Guidelines, 2015. Collection method: not provided. Allele origin: germline. Inheritance: Unknown mechanism. Affected: yes.

NM_003105.6(SORL1):c.6289G>A (p.Val2097Ile)

Gene: SORL1 (sortilin related receptor 1; plus strand). Cytogenetic location: 11q24.1.
Variant type: single nucleotide variant.
Coding change: c.6289G>A on transcript NM_003105.6 (MANE Select); coding-DNA position 6289, G replaced by A.
Protein change: p.Val2097Ile; replaces valine 2097 with isoleucine.
Molecular consequence: missense variant.
Genome position (GRCh38, 1-based): chr11:121,625,202, G>A. VCF-style: chr11-121625202-G-A. GRCh37 (hg19) VCF-style: chr11-121495911-G-A.
Other names: short protein forms V2097I.
Identifiers: ClinVar variation 746018 (VCV000746018.12), dbSNP rs74642146, ClinGen allele CA6330229.